The following is an entry in ClinVar:

ClinVar aggregate classification (germline): Uncertain significance (1 of 4 stars; one submission).

Submission:

Ambry Genetics
Classification: Uncertain significance. Last evaluated: 2026-08-16. Review status: criteria provided, single submitter. Criteria: Ambry Variant Classification Scheme 2023. Collection method: clinical testing. Allele origin: germline.
Comment: The p.A620P variant (also known as c.1858G>C), located in coding exon 13 of the GEN1 gene, results from a G to C substitution at nucleotide position 1858. The alanine at codon 620 is replaced by proline, an amino acid with highly similar properties. This amino acid position is conserved. In addition, this alteration is predicted to be tolerated by in silico analysis. Based on the available evidence, the clinical significance of this variant remains unclear.

NM_001130009.3(GEN1):c.1858G>C (p.Ala620Pro)

Gene: GEN1 (GEN1 structure-specific endonuclease; plus strand). Cytogenetic location: 2p24.2.
Variant type: single nucleotide variant.
Coding change: c.1858G>C on transcript NM_001130009.3 (MANE Select); coding-DNA position 1858, G replaced by C.
Protein change: p.Ala620Pro; replaces alanine 620 with proline.
Molecular consequence: missense variant.
Genome position (GRCh38, 1-based): chr2:17,781,070, G>C. VCF-style: chr2-17781070-G-C. GRCh37 (hg19) VCF-style: chr2-17962337-G-C.
Other names: c.1858G>C, p.Ala620Pro (NM_182625.5); short protein forms A620P.
Identifiers: ClinVar variation 5022335 (VCV005022335.1).
Genomic context (GRCh38, chr2:17,781,070, plus strand): 5'-GCTATTCAAAGGAATACTTTTTCTCATGATTTAAAATCAGAAGTTGAATCAGAGCTATCA[G>C]CCATCCCTGATGGCTTTGAAAATATCCCAGAACAACTGTCCTGTGAATCAGAAAGGTACA-3'
Protein context (NP_001123481.3, residues 610-630): LKSEVESELS[Ala620Pro]IPDGFENIPE